The following is an entry in ClinVar:

ClinVar aggregate classification (germline): Pathogenic/Likely pathogenic. Review status: criteria provided, multiple submitters, no conflicts (2 of 4 stars). 3 submissions from 3 submitters: Pathogenic (1); Likely pathogenic (2). Last evaluated 2025-04-30.

Conditions:
Autosomal recessive nonsyndromic hearing loss 3. Also called: NEUROSENSORY NONSYNDROMIC RECESSIVE DEAFNESS 3. Identifiers: Orphanet 90636, MedGen C1838263, MONDO:0010860, OMIM 600316.

Allele frequency attached by ClinVar (database versions not stated): gnomAD exomes below 0.00001; TOPMed below 0.00001.
gnomAD v4.1: 5 of 1,613,788 alleles (0.00031%); highest among the groups gnomAD compares: Non-Finnish European, 0.00042%; no homozygotes.

Submissions (3):

GeneDx
Classification: Likely pathogenic. Last evaluated: 2025-04-30. Review status: criteria provided, single submitter. Criteria: GeneDx Variant Classification Process June 2021. Collection method: clinical testing. Allele origin: germline. Affected: yes.
Comment: Not observed at significant frequency in large population cohorts (gnomAD); In silico analysis supports that this missense variant has a deleterious effect on protein structure/function; This variant is associated with the following publications: (PMID: 35062939, 35346193)

Labcorp Genetics (formerly Invitae), Labcorp
Classification: Pathogenic. Last evaluated: 2023-05-09. Review status: criteria provided, single submitter. Criteria: Invitae Variant Classification Sherloc (09022015). Collection method: clinical testing. Allele origin: germline.
Comment: This sequence change replaces arginine, which is basic and polar, with histidine, which is basic and polar, at codon 2204 of the MYO15A protein (p.Arg2204His). This variant is not present in population databases (gnomAD no frequency). This missense change has been observed in individual(s) with nonsyndromic deafness (PMID: 35062939, 35346193). In at least one individual the data is consistent with being in trans (on the opposite chromosome) from a pathogenic variant. ClinVar contains an entry for this variant (Variation ID: 1301946). Advanced modeling of protein sequence and biophysical properties (such as structural, functional, and spatial information, amino acid conservation, physicochemical variation, residue mobility, and thermodynamic stability) performed at Invitae indicates that this missense variant is expected to disrupt MYO15A protein function. For these reasons, this variant has been classified as Pathogenic.

Molecular Diagnosis Center for Deafness
Classification: Likely pathogenic for Autosomal recessive nonsyndromic hearing loss 3. Review status: criteria provided, single submitter. Criteria: ClinGen HL ACMG Specifications v1. Collection method: clinical testing. Allele origin: maternal. Observed: 1 variant allele.

Literature cited by the submitters: PubMed 35062939 (cited by Labcorp Genetics (formerly Invitae), Labcorp); PubMed 35346193 (cited by Labcorp Genetics (formerly Invitae), Labcorp).

NM_016239.4(MYO15A):c.6611G>A (p.Arg2204His)

Gene: MYO15A (myosin XVA; plus strand). Cytogenetic location: 17p11.2.
Variant type: single nucleotide variant.
Coding change: c.6611G>A on transcript NM_016239.4 (MANE Select); coding-DNA position 6611, G replaced by A.
Protein change: p.Arg2204His; replaces arginine 2204 with histidine.
Molecular consequence: missense variant.
Genome position (GRCh38, 1-based): chr17:18,148,130, G>A. VCF-style: chr17-18148130-G-A. GRCh37 (hg19) VCF-style: chr17-18051444-G-A.
Other names: c.6611G>A (NM_016239.3); short protein forms R2204H.
Identifiers: ClinVar variation 1301946 (VCV001301946.6), dbSNP rs2046512154, ClinGen allele CA398610474.